The following is an entry in ClinVar:

ClinVar aggregate classification (germline): Uncertain significance (1 of 4 stars; one submission).

Conditions:
Developmental and epileptic encephalopathy 94 (DEE94). Also called: Epileptic encephalopathy, childhood-onset; CHD2-Related Neurodevelopmental Disorders. Identifiers: Orphanet 1942, Orphanet 2382, MedGen C3809278, MONDO:0014150, OMIM 615369.

Submission:

Labcorp Genetics (formerly Invitae), Labcorp
Classification: Uncertain significance for Developmental and epileptic encephalopathy 94. Last evaluated: 2024-10-16. Review status: criteria provided, single submitter. Criteria: Invitae Variant Classification Sherloc (09022015). Collection method: clinical testing. Allele origin: germline.
Comment: This sequence change replaces glutamine, which is neutral and polar, with arginine, which is basic and polar, at codon 650 of the CHD2 protein (p.Gln650Arg). This variant is not present in population databases (gnomAD no frequency). This variant has not been reported in the literature in individuals affected with CHD2-related conditions. Invitae Evidence Modeling of protein sequence and biophysical properties (such as structural, functional, and spatial information, amino acid conservation, physicochemical variation, residue mobility, and thermodynamic stability) has been performed for this missense variant. However, the output from this modeling did not meet the statistical confidence thresholds required to predict the impact of this variant on CHD2 protein function. In summary, the available evidence is currently insufficient to determine the role of this variant in disease. Therefore, it has been classified as a Variant of Uncertain Significance.

NM_001271.4(CHD2):c.1949A>G (p.Gln650Arg)

Gene: CHD2 (chromodomain helicase DNA binding protein 2; plus strand). Cytogenetic location: 15q26.1.
Variant type: single nucleotide variant.
Coding change: c.1949A>G on transcript NM_001271.4 (MANE Select); coding-DNA position 1949, A replaced by G.
Protein change: p.Gln650Arg; replaces glutamine 650 with arginine.
Molecular consequence: missense variant.
Genome position (GRCh38, 1-based): chr15:92,956,598, A>G. VCF-style: chr15-92956598-A-G. GRCh37 (hg19) VCF-style: chr15-93499828-A-G.
Other names: short protein forms Q650R.
Identifiers: ClinVar variation 3636673 (VCV003636673.2).